The following is an entry in ClinVar:

ClinVar aggregate classification (germline): Uncertain significance (1 of 4 stars; one submission).

Conditions:
Hereditary cancer-predisposing syndrome. Also called: Hereditary neoplastic syndrome; Hereditary Cancer Syndrome; Neoplastic Syndromes, Hereditary; Tumor predisposition. Identifiers: Orphanet 140162, MedGen C0027672, MeSH D009386, MONDO:0015356.

Submission:

Ambry Genetics
Classification: Uncertain significance for Hereditary cancer-predisposing syndrome. Last evaluated: 2023-04-06. Review status: criteria provided, single submitter. Criteria: Ambry Variant Classification Scheme 2023. Collection method: clinical testing. Allele origin: germline.
Comment: The p.R114K variant (also known as c.341G>A), located in coding exon 4 of the ATM gene, results from a G to A substitution at nucleotide position 341. The arginine at codon 114 is replaced by lysine, an amino acid with highly similar properties. This amino acid position is highly conserved in available vertebrate species. In addition, this alteration is predicted to be tolerated by in silico analysis. Since supporting evidence is limited at this time, the clinical significance of this alteration remains unclear.

NM_000051.4(ATM):c.341G>A (p.Arg114Lys)

Gene: ATM (ATM serine/threonine kinase; plus strand). Cytogenetic location: 11q22.3.
Variant type: single nucleotide variant.
Coding change: c.341G>A on transcript NM_000051.4 (MANE Select); coding-DNA position 341, G replaced by A.
Protein change: p.Arg114Lys; replaces arginine 114 with lysine.
Molecular consequence: missense variant.
Genome position (GRCh38, 1-based): chr11:108,235,679, G>A. VCF-style: chr11-108235679-G-A. GRCh37 (hg19) VCF-style: chr11-108106406-G-A.
Other names: c.341G>A, p.Arg114Lys (NM_001351834.2); short protein forms R114K.
Identifiers: ClinVar variation 2568171 (VCV002568171.2), dbSNP rs1442730, ClinGen allele CA228374630.